The following is an entry in ClinVar:

NM_000503.6(EYA1):c.922dup (p.Arg308fs)

Gene: EYA1 (EYA transcriptional coactivator and phosphatase 1; minus strand). Cytogenetic location: 8q13.3.
Variant type: Duplication.
Coding change: c.922dup on transcript NM_000503.6 (MANE Select); coding-DNA position 922, one base duplicated (C; older notation c.922dupC).
Protein change: p.Arg308fs; shifts the reading frame from arginine 308.
Molecular consequence: frameshift variant.
Genome position (GRCh38, 1-based): chr8:71,271,802, G duplicated on the plus strand (C on the coding strand, the reverse complement: EYA1 is on the minus strand); the first of 2 consecutive G bases (chr8:71,271,802-71,271,803); duplicating either gives the same sequence. VCF-style (leftmost placement, unchanged base first): chr8-71271801-C-CG. GRCh37 (hg19) VCF-style: chr8-72184036-C-CG.
Other names: c.823dup, p.Arg275fs (NM_172060.4, NM_001411797.1); c.904dup, p.Arg302fs (NM_001288574.2); c.556dup, p.Arg186fs (NM_001288575.2); c.1009dup, p.Arg337fs (NM_001370333.1); c.922dup, p.Arg308fs (NM_001370334.1, NM_001370335.1, NM_172058.4); c.991dup, p.Arg331fs (NM_001370336.1); c.994dup, p.Arg332fs (NM_172059.5); short protein forms R332fs, R186fs, R337fs, R275fs, R302fs, R331fs, R308fs.
Identifiers: ClinVar variation 2727976 (VCV002727976.3), dbSNP rs2538054464, ClinGen allele CA2697549976.

ClinVar aggregate classification (germline): Pathogenic (1 of 4 stars; one submission).

Conditions:
Melnick-Fraser syndrome (BOR). Also called: Branchiootorenal syndrome; Branchiootorenal Syndrome (BORS); Branchio-oto-renal syndrome. Identifiers: Orphanet 107, MedGen C0265234, MONDO:0007029.

Submission:

Labcorp Genetics (formerly Invitae), Labcorp
Classification: Pathogenic for Melnick-Fraser syndrome. Last evaluated: 2023-06-24. Review status: criteria provided, single submitter. Criteria: Invitae Variant Classification Sherloc (09022015). Collection method: clinical testing. Allele origin: germline.
Comment: For these reasons, this variant has been classified as Pathogenic. This variant has not been reported in the literature in individuals affected with EYA1-related conditions. This variant is not present in population databases (gnomAD no frequency). This sequence change creates a premature translational stop signal (p.Arg308Profs*5) in the EYA1 gene. It is expected to result in an absent or disrupted protein product. Loss-of-function variants in EYA1 are known to be pathogenic (PMID: 10464653, 18220287).

Literature cited by the submitters: PubMed 10464653; PubMed 18220287.